The following is an entry in ClinVar:

NM_001128178.3(NPHP1):c.974G>A (p.Arg325His)

Gene: NPHP1 (nephrocystin 1; minus strand). Cytogenetic location: 2q13.
Variant type: single nucleotide variant.
Coding change: c.974G>A on transcript NM_001128178.3 (MANE Select); coding-DNA position 974, G replaced by A.
Protein change: p.Arg325His; replaces arginine 325 with histidine.
Molecular consequence: missense variant.
Genome position (GRCh38, 1-based): chr2:110,160,236, C>T on the plus strand (G>A on the coding strand, the complement: NPHP1 is on the minus strand). VCF-style: chr2-110160236-C-T. GRCh37 (hg19) VCF-style: chr2-110917813-C-T.
Other names: c.1142G>A, p.Arg381His (NM_000272.5); c.785G>A, p.Arg262His (NM_001128179.3); c.971G>A, p.Arg324His (NM_001374256.1); c.974G>A, p.Arg325His (NM_001374257.1); c.1139G>A, p.Arg380His (NM_207181.4); short protein forms R262H, R324H, R325H, R380H, R381H.
Identifiers: ClinVar variation 1021835 (VCV001021835.5), dbSNP rs779098996, ClinGen allele CA1827152.
Genomic context (GRCh38, chr2:110,160,236, plus strand): 5'-ATGCTCATTCCTGGAAGAGGAATCATTTTACAGCTCCATAATGTCAGAATCAATGAAATA[C>T]GACTTGGTCTCGACCTAATCTGAAAGAAAAATTAGTTATAAAAAAGTTTATTTTTATGAT-3'
Protein context (NP_001121650.1, residues 315-335): TEGTIRSRPS[Arg325His]ISLILTLWSC

ClinVar aggregate classification (germline): Uncertain significance (1 of 4 stars; one submission).

Conditions:
Nephronophthisis. Also called: Juvenile Nephronophthisis. Identifiers: Orphanet 655, MedGen C0687120, MONDO:0019005, HP:0000090.

Allele frequency attached by ClinVar (database versions not stated): gnomAD exomes 0.00001; TOPMed 0.00001; gnomAD 0.00001; ExAC 0.00002.
gnomAD v4.1: 17 of 1,610,540 alleles (0.0011%); highest among the groups gnomAD compares: East Asian, 0.0089%; no homozygotes.

Submission:

Labcorp Genetics (formerly Invitae), Labcorp
Classification: Uncertain significance for Nephronophthisis. Last evaluated: 2025-01-06. Review status: criteria provided, single submitter. Criteria: Invitae Variant Classification Sherloc (09022015). Collection method: clinical testing. Allele origin: germline.
Comment: This sequence change replaces arginine, which is basic and polar, with histidine, which is basic and polar, at codon 381 of the NPHP1 protein (p.Arg381His). This variant is present in population databases (rs779098996, gnomAD 0.01%). This variant has not been reported in the literature in individuals affected with NPHP1-related conditions. ClinVar contains an entry for this variant (Variation ID: 1021835). Invitae Evidence Modeling of protein sequence and biophysical properties (such as structural, functional, and spatial information, amino acid conservation, physicochemical variation, residue mobility, and thermodynamic stability) indicates that this missense variant is not expected to disrupt NPHP1 protein function with a negative predictive value of 80%. In summary, the available evidence is currently insufficient to determine the role of this variant in disease. Therefore, it has been classified as a Variant of Uncertain Significance.